The following is an entry in ClinVar:

NM_017780.4(CHD7):c.4964A>G (p.Lys1655Arg)

Gene: CHD7 (chromodomain helicase DNA binding protein 7; plus strand). Cytogenetic location: 8q12.2.
Variant type: single nucleotide variant.
Coding change: c.4964A>G on transcript NM_017780.4 (MANE Select); coding-DNA position 4964, A replaced by G.
Protein change: p.Lys1655Arg; replaces lysine 1655 with arginine.
Molecular consequence: missense variant. On other transcripts: intron variant (1).
Genome position (GRCh38, 1-based): chr8:60,844,977, A>G. VCF-style: chr8-60844977-A-G. GRCh37 (hg19) VCF-style: chr8-61757536-A-G.
Other names: c.1717-17252A>G (NM_001316690.1); short protein forms K1655R.
Identifiers: ClinVar variation 2046604 (VCV002046604.6), dbSNP rs2150793221, ClinGen allele CA371319975.
Genomic context (GRCh38, chr8:60,844,977, plus strand): 5'-CTGAGCAAGATGTAGAAACCATCTGCAGAACCATCCTGGTGTACTGTCTTAATCATTACA[A>G]AGGGGATGAGAATATCAAAAGCTTCATCTGGGATCTGATCACACCCACAGCGGATGGCCA-3'
Protein context (NP_060250.2, residues 1645-1665): TILVYCLNHY[Lys1655Arg]GDENIKSFIW

ClinVar aggregate classification (germline): Uncertain significance. Review status: criteria provided, multiple submitters, no conflicts (2 of 4 stars). 2 submissions from 2 submitters: Uncertain significance (2). Last evaluated 2025-02-04.

Conditions:
CHD7-related CHARGE syndrome. Identifiers: MedGen CN380413, MONDO:1010178, OMIM 214800.
Hypogonadotropic hypogonadism 5 with or without anosmia (KAL5). Also called: CHD7-Related GnRH Deficiency (Kallmann Syndrome 5); HYPOGONADOTROPIC HYPOGONADISM 5 WITH ANOSMIA; HYPOGONADOTROPHIC HYPOGONADISM 5 WITHOUT ANOSMIA. Identifiers: Orphanet 478, MedGen C3552553, MONDO:0012880, OMIM 612370. Disease mechanism: loss of function.
CHARGE syndrome (CHARGE). Also called: Hittner Hirsch Kreh syndrome; CHARGE ASSOCIATION--COLOBOMA, HEART ANOMALY, CHOANAL ATRESIA, RETARDATION, GENITAL AND EAR ANOMALIES; Coloboma, heart anomaly, choanal atresia, retardation, genital and ear anomalies; CHARGE association; Hall-Hittner syndrome. Identifiers: Orphanet 138, MedGen C0265354, MONDO:0008965.

Allele frequency attached by ClinVar (database versions not stated): gnomAD exomes below 0.00001.
gnomAD v4.1: 3 of 1,613,970 alleles (0.00019%); highest among the groups gnomAD compares: East Asian, 0.0022%; no homozygotes.

Submissions (2):

Labcorp Genetics (formerly Invitae), Labcorp
Classification: Uncertain significance for CHARGE syndrome. Last evaluated: 2025-02-04. Review status: criteria provided, single submitter. Criteria: Invitae Variant Classification Sherloc (09022015). Collection method: clinical testing. Allele origin: germline.
Comment: This sequence change replaces lysine, which is basic and polar, with arginine, which is basic and polar, at codon 1655 of the CHD7 protein (p.Lys1655Arg). This variant is not present in population databases (gnomAD no frequency). This variant has not been reported in the literature in individuals affected with CHD7-related conditions. ClinVar contains an entry for this variant (Variation ID: 2046604). Invitae Evidence Modeling of protein sequence and biophysical properties (such as structural, functional, and spatial information, amino acid conservation, physicochemical variation, residue mobility, and thermodynamic stability) indicates that this missense variant is not expected to disrupt CHD7 protein function with a negative predictive value of 95%. Algorithms developed to predict the effect of sequence changes on RNA splicing suggest that this variant may create or strengthen a splice site. In summary, the available evidence is currently insufficient to determine the role of this variant in disease. Therefore, it has been classified as a Variant of Uncertain Significance.

Juno Genomics, Hangzhou Juno Genomics, Inc
Classification: Uncertain significance for CHD7-related CHARGE syndrome; Hypogonadotropic hypogonadism 5 with or without anosmia. Review status: criteria provided, single submitter. Criteria: ACMG Guidelines, 2015. Collection method: clinical testing. Allele origin: germline.
Comment: Missense variant in a gene that has a low rate of benign missense variation.;Multiple lines of computational evidence support a deleterious effect on the gene or gene product.;Absent from controls (or at extremely low frequency if recessive) in Genome Aggregation Database.